The following is an entry in ClinVar:

NM_001349338.3(FOXP1):c.282+2T>C

Gene: FOXP1 (forkhead box P1; minus strand). Cytogenetic location: 3p13.
Variant type: single nucleotide variant.
Coding change: c.282+2T>C on transcript NM_001349338.3 (MANE Select); the canonical splice donor site of the intron after coding-DNA position 282, T replaced by C.
Molecular consequence: splice donor variant.
Genome position (GRCh38, 1-based): chr3:71,112,534, A>G on the plus strand (T>C on the coding strand, the complement: FOXP1 is on the minus strand). VCF-style: chr3-71112534-A-G. GRCh37 (hg19) VCF-style: chr3-71161685-A-G.
Other names: c.282+2T>C (NM_001244810.2, NM_032682.6, NM_001349340.3 and 5 more transcripts); c.-19+2T>C (NM_001349343.3, NM_001349342.3, NM_001349337.2 and 2 more transcripts).
Identifiers: ClinVar variation 3640691 (VCV003640691.2).

ClinVar aggregate classification (germline): Likely pathogenic (1 of 4 stars; one submission).

Submission:

Labcorp Genetics (formerly Invitae), Labcorp
Classification: Likely pathogenic. Last evaluated: 2024-02-14. Review status: criteria provided, single submitter. Criteria: Invitae Variant Classification Sherloc (09022015). Collection method: clinical testing. Allele origin: germline.
Comment: This sequence change affects a donor splice site in intron 7 of the FOXP1 gene. It is expected to disrupt RNA splicing. Variants that disrupt the donor or acceptor splice site typically lead to a loss of protein function (PMID: 16199547), and loss-of-function variants in FOXP1 are known to be pathogenic (PMID: 28735298). This variant is not present in population databases (gnomAD no frequency). This variant has not been reported in the literature in individuals affected with FOXP1-related conditions. Algorithms developed to predict the effect of sequence changes on RNA splicing suggest that this variant may disrupt the consensus splice site. In summary, the currently available evidence indicates that the variant is pathogenic, but additional data are needed to prove that conclusively. Therefore, this variant has been classified as Likely Pathogenic.

Literature cited by the submitters: PubMed 16199547; PubMed 28735298.